The following is an entry in ClinVar:

ClinVar aggregate classification (germline): Benign/Likely benign. Review status: criteria provided, multiple submitters, no conflicts (2 of 4 stars). 2 submissions from 2 submitters: Benign (1); Likely benign (1). Last evaluated 2025-11-01.

Allele frequency attached by ClinVar (database versions not stated): ExAC 0.00113; gnomAD exomes 0.00134 and 0.00318; 1000 Genomes Project 0.00140; gnomAD 0.00166 and 0.00173; ESP Exome Variant Server 0.00177; 1000 Genomes Project 30x 0.00203; TOPMed 0.00209.

Submissions (2):

CeGaT Center for Human Genetics Tuebingen
Classification: Likely benign. Last evaluated: 2025-11-01. Review status: criteria provided, single submitter. Criteria: CeGaT Center For Human Genetics Tuebingen Variant Classification Criteria Version 2. Collection method: clinical testing. Allele origin: germline. Affected: yes. Observed: 2 variant alleles.
Comment: FOXD3: BP4, BP7, BS2; FOXD3-AS1: BS2

Labcorp Genetics (formerly Invitae), Labcorp
Classification: Benign. Last evaluated: 2018-08-08. Review status: criteria provided, single submitter. Criteria: Invitae Variant Classification Sherloc (09022015). Collection method: clinical testing. Allele origin: germline.

NM_012183.3(FOXD3):c.639C>T (p.Asn213=)

Genes: FOXD3 (forkhead box D3; plus strand), FOXD3-AS1 (FOXD3 antisense RNA 1; minus strand). Cytogenetic location: 1p31.3.
Variant type: single nucleotide variant.
Coding change: c.639C>T on transcript NM_012183.3 (MANE Select); coding-DNA position 639, C replaced by T.
Protein change: p.Asn213=; no amino-acid change (asparagine 213 retained).
Molecular consequence: synonymous variant.
Genome position (GRCh38, 1-based): chr1:63,323,697, C>T. VCF-style: chr1-63323697-C-T. GRCh37 (hg19) VCF-style: chr1-63789368-C-T.
Identifiers: ClinVar variation 775557 (VCV000775557.27), dbSNP rs114453593, ClinGen allele CA887904.